The following is an entry in ClinVar:

NM_003079.5(SMARCE1):c.607A>C (p.Ile203Leu)

Gene: SMARCE1 (SWI/SNF related BAF chromatin remodeling complex subunit E1; minus strand). Cytogenetic location: 17q21.2.
Variant type: single nucleotide variant.
Coding change: c.607A>C on transcript NM_003079.5 (MANE Select); coding-DNA position 607, A replaced by C.
Protein change: p.Ile203Leu; replaces isoleucine 203 with leucine.
Molecular consequence: missense variant.
Genome position (GRCh38, 1-based): chr17:40,632,302, T>G on the plus strand (A>C on the coding strand, the complement: SMARCE1 is on the minus strand). VCF-style: chr17-40632302-T-G. GRCh37 (hg19) VCF-style: chr17-38788554-T-G.
Other names: short protein forms I203L.
Identifiers: ClinVar variation 2771140 (VCV002771140.3), dbSNP rs2508598442, ClinGen allele CA399364769.

ClinVar aggregate classification (germline): Uncertain significance (1 of 4 stars; one submission).

Conditions:
Familial meningioma. Also called: Meningioma, familial, susceptibility to. Identifiers: Orphanet 263662, MedGen C3551915, MONDO:0011789, OMIM 607174.

Submission:

Labcorp Genetics (formerly Invitae), Labcorp
Classification: Uncertain significance for Familial meningioma. Last evaluated: 2023-10-23. Review status: criteria provided, single submitter. Criteria: Invitae Variant Classification Sherloc (09022015). Collection method: clinical testing. Allele origin: germline.
Comment: This sequence change replaces isoleucine, which is neutral and non-polar, with leucine, which is neutral and non-polar, at codon 203 of the SMARCE1 protein (p.Ile203Leu). This variant is not present in population databases (gnomAD no frequency). This variant has not been reported in the literature in individuals affected with SMARCE1-related conditions. Advanced modeling of protein sequence and biophysical properties (such as structural, functional, and spatial information, amino acid conservation, physicochemical variation, residue mobility, and thermodynamic stability) performed at Invitae indicates that this missense variant is not expected to disrupt SMARCE1 protein function. In summary, the available evidence is currently insufficient to determine the role of this variant in disease. Therefore, it has been classified as a Variant of Uncertain Significance.